The following is an entry in ClinVar:

ClinVar aggregate classification (germline): Pathogenic. Review status: reviewed by expert panel (3 of 4 stars). 4 submissions from 4 submitters: Pathogenic (1). 3 of the submissions do not count toward it. Last evaluated 2017-12-15.

Conditions:
Hereditary cancer-predisposing syndrome. Also called: Tumor predisposition; Neoplastic Syndromes, Hereditary; Hereditary Cancer Syndrome; Hereditary neoplastic syndrome. Identifiers: Orphanet 140162, MedGen C0027672, MeSH D009386, MONDO:0015356.
Breast-ovarian cancer, familial, susceptibility to, 2 (BROVCA2). Also called: BRCA2 Hereditary Breast and Ovarian Cancer. Identifiers: Orphanet 145, MedGen C2675520, MONDO:0012933, OMIM 612555. Disease mechanism: loss of function.

Submissions (4):

Evidence-based Network for the Interpretation of Germline Mutant Alleles (ENIGMA)
Classification: Pathogenic for Breast-ovarian cancer, familial, susceptibility to, 2. Last evaluated: 2017-12-15. Review status: reviewed by expert panel. Criteria: ENIGMA BRCA1/2 Classification Criteria (2017-06-29). Collection method: curation. Allele origin: germline. Study: ENIGMA.
Comment: Variant allele predicted to encode a truncated non-functional protein.

Quest Diagnostics Nichols Institute San Juan Capistrano
Classification: Likely pathogenic. Last evaluated: 2024-10-01. Review status: criteria provided, single submitter. Criteria: Quest Diagnostics criteria. Collection method: clinical testing. Allele origin: unknown. Not counted in ClinVar's aggregate classification.
Comment: The BRCA2 c.3645_3647delinsTA (p.Phe1216Ilefs*12) variant alters the translational reading frame of the BRCA2 mRNA and is predicted to cause the premature termination of BRCA2 protein synthesis. This variant has not been reported in individuals with BRCA2-related conditions in the published literature. This variant has not been reported in large, multi-ethnic general populations (Genome Aggregation Database). Based on the available information, this variant is classified as likely pathogenic.

Ambry Genetics
Classification: Pathogenic for Hereditary cancer-predisposing syndrome. Last evaluated: 2021-06-11. Review status: criteria provided, single submitter. Criteria: Ambry Variant Classification Scheme 2023. Collection method: clinical testing. Allele origin: germline. Not counted in ClinVar's aggregate classification.
Comment: The c.3645_3647delGTTinsTA pathogenic mutation, located in coding exon 10 of the BRCA2 gene, results from the deletion of 3 nucleotides and insertion of two nucleotides causing a translational frameshift with a predicted alternate stop codon (p.F1216Ifs*12). This alteration is expected to result in loss of function by premature protein truncation or nonsense-mediated mRNA decay. As such, this alteration is interpreted as a disease-causing mutation.

GeneDx
Classification: Pathogenic. Last evaluated: 2014-10-23. Review status: criteria provided, single submitter. Criteria: GeneDx Variant Classification (06012015). Collection method: clinical testing. Allele origin: germline. Affected: yes. Not counted in ClinVar's aggregate classification.
Comment: This combined deletion and insertion is denoted BRCA2 c.3645_3647delGTTinsTA at the cDNA level and p.Phe1216IlefsX12 (F1216IfsX12) at the protein level. The normal sequence, with the bases that are deleted and inserted in brackets, is TGGG[delGTTinsTA]TAGG. The variant causes a frameshift, which changes a Phenylalanine to an Isoleucine at codon 1216, and creates a premature stop codon at position 12 of the new reading frame. Although this variant has not, to our knowledge, been reported in the literature, it is predicted to cause loss of normal protein function through either protein truncation or nonsense-mediated mRNA decay. we consider this variant to be pathogenic.

NM_000059.4(BRCA2):c.3645_3647delinsTA (p.Phe1216fs)

Gene: BRCA2 (BRCA2 DNA repair associated; plus strand). Cytogenetic location: 13q13.1.
Variant type: Indel.
Coding change: c.3645_3647delinsTA on transcript NM_000059.4 (MANE Select); coding-DNA positions 3645 to 3647, GTT replaced by TA.
Protein change: p.Phe1216fs; shifts the reading frame from phenylalanine 1216.
Molecular consequence: frameshift variant.
Genome position (GRCh38, 1-based): chr13:32,338,000-32,338,002, GTT replaced by TA. VCF-style: chr13-32338000-GTT-TA. GRCh37 (hg19) VCF-style: chr13-32912137-GTT-TA.
Other names: c.3645_3647delGTTinsTA (NM_000059.3); short protein forms F1216fs.
Identifiers: ClinVar variation 418080 (VCV000418080.5), dbSNP rs1064793064, ClinGen allele CA16619698.